The following is an entry in ClinVar:

NM_002608.4(PDGFB):c.560G>A (p.Arg187Gln)

Gene: PDGFB (platelet derived growth factor subunit B; minus strand). Cytogenetic location: 22q13.1.
Variant type: single nucleotide variant.
Coding change: c.560G>A on transcript NM_002608.4 (MANE Select); coding-DNA position 560, G replaced by A.
Protein change: p.Arg187Gln; replaces arginine 187 with glutamine.
Molecular consequence: missense variant.
Genome position (GRCh38, 1-based): chr22:39,230,125, C>T on the plus strand (G>A on the coding strand, the complement: PDGFB is on the minus strand). VCF-style: chr22-39230125-C-T. GRCh37 (hg19) VCF-style: chr22-39626130-C-T.
Other names: c.515G>A, p.Arg172Gln (NM_033016.3); c.560G>A (NM_002608.2); short protein forms R187Q, R172Q.
Identifiers: ClinVar variation 2187361 (VCV002187361.5), dbSNP rs146204796, ClinGen allele CA10240074.

ClinVar aggregate classification (germline): Uncertain significance. Review status: criteria provided, multiple submitters, no conflicts (2 of 4 stars). 2 submissions from 2 submitters: Uncertain significance (2). Last evaluated 2025-06-12.

Conditions:
Inborn genetic diseases. Identifiers: MedGen C0950123, MeSH D030342.

Allele frequency attached by ClinVar (database versions not stated): gnomAD exomes 0.00001; ExAC 0.00004; gnomAD 0.00013; ESP Exome Variant Server 0.00015; 1000 Genomes Project 30x 0.00031; 1000 Genomes Project 0.00040.
gnomAD v4.1: 40 of 1,613,880 alleles (0.0025%); highest among the groups gnomAD compares: African/African-American, 0.039%; no homozygotes.

Submissions (2):

Labcorp Genetics (formerly Invitae), Labcorp
Classification: Uncertain significance. Last evaluated: 2025-06-12. Review status: criteria provided, single submitter. Criteria: Invitae Variant Classification Sherloc (09022015). Collection method: clinical testing. Allele origin: germline.
Comment: This sequence change replaces arginine, which is basic and polar, with glutamine, which is neutral and polar, at codon 187 of the PDGFB protein (p.Arg187Gln). This variant is present in population databases (rs146204796, gnomAD 0.04%). This variant has not been reported in the literature in individuals affected with PDGFB-related conditions. ClinVar contains an entry for this variant (Variation ID: 2187361). Invitae Evidence Modeling of protein sequence and biophysical properties (such as structural, functional, and spatial information, amino acid conservation, physicochemical variation, residue mobility, and thermodynamic stability) indicates that this missense variant is not expected to disrupt PDGFB protein function with a negative predictive value of 80%. In summary, the available evidence is currently insufficient to determine the role of this variant in disease. Therefore, it has been classified as a Variant of Uncertain Significance.

Ambry Genetics
Classification: Uncertain significance for Inborn genetic diseases. Last evaluated: 2021-08-12. Review status: criteria provided, single submitter. Criteria: Ambry Variant Classification Scheme 2023. Collection method: clinical testing. Allele origin: germline.